The following is an entry in ClinVar:

ClinVar aggregate classification (germline): Likely risk allele (0 of 4 stars; one submission).

Conditions:
COPD, severe early onset. Also called: Pulmonary disease, chronic obstructive, severe early-onset. Identifiers: MedGen C1847014, MONDO:0011751.

Allele frequency attached by ClinVar (database versions not stated): 1000 Genomes Project 30x 0.12961; ExAC 0.17529; 1000 Genomes Project 0.13279; gnomAD 0.14137; TOPMed 0.13793; gnomAD exomes 0.15726.
gnomAD v4.1: 124,081 of 804,572 alleles (15%); highest among the groups gnomAD compares: Non-Finnish European, 18%; 10,778 homozygotes.

Submission:

Pneumogenomics Laboratory, Instituto Nacional de Enfermedades Respiratorias Ismael Cosio Villegas
Classification: Likely risk allele for Chronic obstructive pulmonary disease. Last evaluated: 2023-08-10. Review status: no assertion criteria provided. Collection method: research. Allele origin: germline. Affected: yes.
Comment: Differences in plasma levels of sRAGE according to genotypes

NM_001136.5(AGER):c.964+208A>G

Gene: AGER (advanced glycosylation end-product specific receptor; minus strand). Cytogenetic location: 6p21.32.
Variant type: single nucleotide variant.
Coding change: c.964+208A>G on transcript NM_001136.5 (MANE Select); 208 bases into the intron after coding-DNA position 964, A replaced by G.
Molecular consequence: intron variant.
Genome position (GRCh38, 1-based): chr6:32,182,039, T>C on the plus strand (A>G on the coding strand, the complement: AGER is on the minus strand). VCF-style: chr6-32182039-T-C. GRCh37 (hg19) VCF-style: chr6-32149816-T-C.
Other names: c.922+208A>G (NM_001206932.2); c.810-407A>G (NM_172197.3); c.823-407A>G (NM_001206954.2); c.912+208A>G (NM_001206936.2); c.964+208A>G (NM_001206966.2, NM_001206940.2); c.1012+208A>G (NM_001206929.2, NM_001206934.2).
Identifiers: ClinVar variation 2582839 (VCV002582839.1), dbSNP rs3134940, ClinGen allele CA3737986.